The following is an entry in ClinVar:

NM_012096.3(APPL1):c.600A>G (p.Leu200=)

Gene: APPL1 (adaptor protein, phosphotyrosine interacting with PH domain and leucine zipper 1; plus strand). Cytogenetic location: 3p14.3.
Variant type: single nucleotide variant.
Coding change: c.600A>G on transcript NM_012096.3 (MANE Select); coding-DNA position 600, A replaced by G.
Protein change: p.Leu200=; no amino-acid change (leucine 200 retained).
Molecular consequence: synonymous variant.
Genome position (GRCh38, 1-based): chr3:57,246,201, A>G. VCF-style: chr3-57246201-A-G. GRCh37 (hg19) VCF-style: chr3-57280229-A-G.
Identifiers: ClinVar variation 4989721 (VCV004989721.1).

ClinVar aggregate classification (germline): Likely benign (1 of 4 stars; one submission).

Conditions:
APPL1-related disorder. Also called: APPL1-related condition.

gnomAD v4.1: 5 of 1,603,696 alleles (0.00031%); highest among the groups gnomAD compares: East Asian, 0.0022%; no homozygotes.

Submission:

PreventionGenetics, part of Exact Sciences
Classification: Likely benign for APPL1-related condition. Last evaluated: 2024-12-18. Review status: criteria provided, single submitter. Criteria: ACMG Guidelines, 2015. Collection method: clinical testing. Allele origin: germline.
Comment: This variant is classified as likely benign based on ACMG/AMP sequence variant interpretation guidelines (Richards et al. 2015 PMID: 25741868, with internal and published modifications).